The following is an entry in ClinVar:

ClinVar aggregate classification (germline): Benign (0 of 4 stars; one submission).

Conditions:
SMCHD1-related disorder. Also called: SMCHD1-related condition.

Allele frequency attached by ClinVar (database versions not stated): gnomAD exomes 0.00014; ExAC 0.00058; gnomAD 0.00163; TOPMed 0.00181; ESP Exome Variant Server 0.00207; 1000 Genomes Project 30x 0.00281; 1000 Genomes Project 0.00300.
gnomAD v4.1: 439 of 1,448,470 alleles (0.03%); highest among the groups gnomAD compares: African/African-American, 0.57%; 2 homozygotes.

Submissions (2):

PreventionGenetics, part of Exact Sciences
Classification: Benign for SMCHD1-related condition. Last evaluated: 2020-02-18. Review status: no assertion criteria provided. Collection method: clinical testing. Allele origin: germline.
Comment: This variant is classified as benign based on ACMG/AMP sequence variant interpretation guidelines (Richards et al. 2015 PMID: 25741868, with internal and published modifications).

Dr. Peter K. Rogan Lab, Western University
No classification provided (evidence only). Condition: Acute myeloid leukemia. Review status: no classification provided. Collection method: in vitro. Allele origin: not applicable. Functional consequence: skipped exon, retained intron. Not counted in ClinVar's aggregate classification.

NM_015295.3(SMCHD1):c.1647+28A>G

Gene: SMCHD1 (structural maintenance of chromosomes flexible hinge domain containing 1; plus strand). Cytogenetic location: 18p11.32.
Variant type: single nucleotide variant.
Coding change: c.1647+28A>G on transcript NM_015295.3 (MANE Select); 28 bases into the intron after coding-DNA position 1647, A replaced by G.
Molecular consequence: intron variant.
Genome position (GRCh38, 1-based): chr18:2,700,946, A>G. VCF-style: chr18-2700946-A-G. GRCh37 (hg19) VCF-style: chr18-2700944-A-G.
Other names: NC_000018.9:g.2700944A>G.
Identifiers: ClinVar variation 3041067 (VCV003041067.3), dbSNP rs111570625, ClinGen allele CA8870762.